The following is an entry in ClinVar:

ClinVar aggregate classification (germline): Uncertain significance. Review status: criteria provided, multiple submitters, no conflicts (2 of 4 stars). 2 submissions from 2 submitters: Uncertain significance (2). Last evaluated 2023-01-18.

Conditions:
Arrhythmogenic right ventricular dysplasia 2. Identifiers: MedGen C1832931.
Catecholaminergic polymorphic ventricular tachycardia 1. Also called: VENTRICULAR TACHYCARDIA, CATECHOLAMINERGIC POLYMORPHIC, 1, WITH OR WITHOUT ATRIAL DYSFUNCTION AND/OR DILATED CARDIOMYOPATHY; RYR2-Related Catecholaminergic Polymorphic Ventricular Tachycardia; VENTRICULAR TACHYCARDIA, STRESS-INDUCED POLYMORPHIC 1. Identifiers: Orphanet 3286, MedGen C1631597, MONDO:0011484, OMIM 604772.
Ventricular arrhythmias due to cardiac ryanodine receptor calcium release deficiency syndrome. Also called: Autosomal dominant cardiac arrhythmia (Kuhn). Identifiers: MedGen C5542154, MONDO:0020745, OMIM 115000.

Allele frequency attached by ClinVar (database versions not stated): TOPMed 0.00001.

Submissions (2):

Labcorp Genetics (formerly Invitae), Labcorp
Classification: Uncertain significance for Catecholaminergic polymorphic ventricular tachycardia 1. Last evaluated: 2023-01-18. Review status: criteria provided, single submitter. Criteria: Invitae Variant Classification Sherloc (09022015). Collection method: clinical testing. Allele origin: germline.
Comment: In summary, the available evidence is currently insufficient to determine the role of this variant in disease. Therefore, it has been classified as a Variant of Uncertain Significance. Advanced modeling of protein sequence and biophysical properties (such as structural, functional, and spatial information, amino acid conservation, physicochemical variation, residue mobility, and thermodynamic stability) performed at Invitae indicates that this missense variant is not expected to disrupt RYR2 protein function. ClinVar contains an entry for this variant (Variation ID: 1428109). This variant has not been reported in the literature in individuals affected with RYR2-related conditions. This variant is not present in population databases (gnomAD no frequency). This sequence change replaces methionine, which is neutral and non-polar, with leucine, which is neutral and non-polar, at codon 3263 of the RYR2 protein (p.Met3263Leu).

Fulgent Genetics
Classification: Uncertain significance for Ventricular arrhythmias due to cardiac ryanodine receptor calcium release deficiency syndrome; Catecholaminergic polymorphic ventricular tachycardia 1. Last evaluated: 2021-10-08. Review status: criteria provided, single submitter. Criteria: ACMG Guidelines, 2015. Collection method: clinical testing. Allele origin: unknown.

NM_001035.3(RYR2):c.9787A>T (p.Met3263Leu)

Gene: RYR2 (ryanodine receptor 2; plus strand). Cytogenetic location: 1q43.
Variant type: single nucleotide variant.
Coding change: c.9787A>T on transcript NM_001035.3 (MANE Select); coding-DNA position 9787, A replaced by T.
Protein change: p.Met3263Leu; replaces methionine 3263 with leucine.
Molecular consequence: missense variant.
Genome position (GRCh38, 1-based): chr1:237,707,155, A>T. VCF-style: chr1-237707155-A-T. GRCh37 (hg19) VCF-style: chr1-237870455-A-T.
Other names: short protein forms M3263L.
Identifiers: ClinVar variation 1428109 (VCV001428109.8), dbSNP rs1014875855, ClinGen allele CA39791886.
Genomic context (GRCh38, chr1:237,707,155, plus strand): 5'-TGCAGCTACATGTCTCGTTGGTGGGAGCATGGACCTGAGAACAATCCAGAACGGGCCGAG[A>T]TGTGCTGCACAGCCCTGAACTCAGAGCACATGAACACACTTCTAGGGAACATATTGAAAA-3'
Protein context (NP_001026.2, residues 3253-3273): GPENNPERAE[Met3263Leu]CCTALNSEHM